The following is an entry in ClinVar:

NM_024301.5(FKRP):c.433G>A (p.Val145Met)

Gene: FKRP (fukutin related protein; plus strand). Cytogenetic location: 19q13.32.
Variant type: single nucleotide variant.
Coding change: c.433G>A on transcript NM_024301.5 (MANE Select); coding-DNA position 433, G replaced by A.
Protein change: p.Val145Met; replaces valine 145 with methionine.
Molecular consequence: missense variant.
Genome position (GRCh38, 1-based): chr19:46,755,883, G>A. VCF-style: chr19-46755883-G-A. GRCh37 (hg19) VCF-style: chr19-47259140-G-A.
Other names: c.433G>A, p.Val145Met (NM_001039885.3); c.433G>A (NM_024301.4); short protein forms V145M.
Identifiers: ClinVar variation 1414076 (VCV001414076.5), dbSNP rs2054903007, ClinGen allele CA406495316.
Genomic context (GRCh38, chr19:46,755,883, plus strand): 5'-TTTGTGGCCCTAGTACCTGATGGGGCGCGGGCTGAGGCACCTGGCCTGCTGGAGCGCATG[G>A]TGGAGGCGCTCCGCGCAGGAAGCGCACGTCTGGTGGCCGCCCCGGTTGCCACGGCCAACC-3'
Protein context (NP_077277.1, residues 135-155): AEAPGLLERM[Val145Met]EALRAGSARL

ClinVar aggregate classification (germline): Uncertain significance. Review status: criteria provided, multiple submitters, no conflicts (2 of 4 stars). 2 submissions from 2 submitters: Uncertain significance (2). Last evaluated 2025-03-25.

Conditions:
Cardiovascular phenotype. Identifiers: MedGen CN230736.
Walker-Warburg congenital muscular dystrophy. Also called: Muscular dystrophy-dystroglycanopathy, type A; Walker-Warburg syndrome. Identifiers: Orphanet 899, MedGen C0265221, MONDO:0000171.

Allele frequency attached by ClinVar (database versions not stated): gnomAD exomes below 0.00001; TOPMed below 0.00001.
gnomAD v4.1: 1 of 1,502,058 alleles (0.000067%); highest among the groups gnomAD compares: Non-Finnish European, 0.000089%; no homozygotes.

Submissions (2):

Ambry Genetics
Classification: Uncertain significance for Cardiovascular phenotype. Last evaluated: 2025-03-25. Review status: criteria provided, single submitter. Criteria: Ambry Variant Classification Scheme 2023. Collection method: clinical testing. Allele origin: germline.
Comment: The p.V145M variant (also known as c.433G>A), located in coding exon 1 of the FKRP gene, results from a G to A substitution at nucleotide position 433. The valine at codon 145 is replaced by methionine, an amino acid with highly similar properties. This amino acid position is conserved. In addition, the in silico prediction for this alteration is inconclusive. Based on the available evidence, the clinical significance of this variant remains unclear.

Labcorp Genetics (formerly Invitae), Labcorp
Classification: Uncertain significance for Walker-Warburg congenital muscular dystrophy. Last evaluated: 2023-12-07. Review status: criteria provided, single submitter. Criteria: Invitae Variant Classification Sherloc (09022015). Collection method: clinical testing. Allele origin: germline.
Comment: This sequence change replaces valine, which is neutral and non-polar, with methionine, which is neutral and non-polar, at codon 145 of the FKRP protein (p.Val145Met). This variant is not present in population databases (gnomAD no frequency). This variant has not been reported in the literature in individuals affected with FKRP-related conditions. ClinVar contains an entry for this variant (Variation ID: 1414076). Advanced modeling of protein sequence and biophysical properties (such as structural, functional, and spatial information, amino acid conservation, physicochemical variation, residue mobility, and thermodynamic stability) performed at Invitae indicates that this missense variant is not expected to disrupt FKRP protein function with a negative predictive value of 95%. In summary, the available evidence is currently insufficient to determine the role of this variant in disease. Therefore, it has been classified as a Variant of Uncertain Significance.